The following is an entry in ClinVar:

ClinVar aggregate classification (germline): Conflicting classifications of pathogenicity. Review status: criteria provided, conflicting classifications (1 of 4 stars). 3 submissions from 3 submitters: Uncertain significance (1); Likely benign (2). Last evaluated 2026-08-01.

Allele frequency attached by ClinVar (database versions not stated): gnomAD exomes 0.00017 and 0.00039; ExAC 0.00040; gnomAD 0.00133 and 0.00142; ESP Exome Variant Server 0.00154; 1000 Genomes Project 0.00160; TOPMed 0.00164; 1000 Genomes Project 30x 0.00172.

Submissions (3):

CeGaT Center for Human Genetics Tuebingen
Classification: Likely benign. Last evaluated: 2026-08-01. Review status: criteria provided, single submitter. Criteria: CeGaT Center For Human Genetics Tuebingen Variant Classification Criteria Version 2. Collection method: clinical testing. Allele origin: germline. Affected: yes. Observed: 1 variant allele.
Comment: NPAP1: BP4

Ambry Genetics
Classification: Uncertain significance. Last evaluated: 2025-08-01. Review status: criteria provided, single submitter. Criteria: Ambry Variant Classification Scheme 2023. Collection method: clinical testing. Allele origin: germline.

Labcorp Genetics (formerly Invitae), Labcorp
Classification: Likely benign. Last evaluated: 2018-03-30. Review status: criteria provided, single submitter. Criteria: Invitae Variant Classification Sherloc (09022015). Collection method: clinical testing. Allele origin: germline.

NM_018958.3(NPAP1):c.3126G>C (p.Gln1042His)

Gene: NPAP1 (nuclear pore associated protein 1; plus strand). Cytogenetic location: 15q11.2.
Variant type: single nucleotide variant.
Coding change: c.3126G>C on transcript NM_018958.3 (MANE Select); coding-DNA position 3126, G replaced by C.
Protein change: p.Gln1042His; replaces glutamine 1042 with histidine.
Molecular consequence: missense variant.
Genome position (GRCh38, 1-based): chr15:24,678,993, G>C. VCF-style: chr15-24678993-G-C. GRCh37 (hg19) VCF-style: chr15-24924140-G-C.
Other names: short protein forms Q1042H.
Identifiers: ClinVar variation 746551 (VCV000746551.5), dbSNP rs116355882, ClinGen allele CA7431056.